The following is an entry in ClinVar:

NM_022552.5(DNMT3A):c.760_767del (p.Ala254fs)

Gene: DNMT3A (DNA methyltransferase 3 alpha; minus strand). Cytogenetic location: 2p23.3.
Variant type: Deletion.
Coding change: c.760_767del on transcript NM_022552.5 (MANE Select); coding-DNA positions 760 to 767, 8 bases deleted (GCATCCCC; older notation c.760_767delGCATCCCC).
Protein change: p.Ala254fs; shifts the reading frame from alanine 254.
Molecular consequence: frameshift variant. On other transcripts: non-coding transcript variant (1).
Genome position (GRCh38, 1-based): chr2:25,248,125-25,248,132, GGGGATGC deleted on the plus strand (GCATCCCC on the coding strand, the reverse complement: DNMT3A is on the minus strand); deleting any 8 consecutive bases within chr2:25,248,125-25,248,136 gives the same sequence; the c. name uses the placement nearest the transcript's 3' end. VCF-style (leftmost placement, unchanged base first): chr2-25248124-GGGGGATGC-G. GRCh37 (hg19) VCF-style: chr2-25470993-GGGGGATGC-G.
Other names: c.760_767del (NM_022552.4); c.304_311del, p.Ala102fs (NM_001320893.1); c.91_98del, p.Ala31fs (NM_001375819.1); c.756_763delCCCCGCAT, p.Ala254Hisfs (NM_022552.4); c.193_200del, p.Ala65fs (NM_153759.3); c.760_767del, p.Ala254fs (NM_175629.2); short protein forms A102fs, A254fs, A31fs, A65fs.
Identifiers: ClinVar variation 3777172 (VCV003777172.1).

ClinVar aggregate classification (germline): Pathogenic (1 of 4 stars; one submission).

Conditions:
Tatton-Brown-Rahman overgrowth syndrome. Also called: Tall stature-intellectual disability-facial dysmorphism syndrome; Tatton-Brown-Rahman syndrome. Identifiers: Orphanet 404443, MedGen C4014545, MONDO:0014382, OMIM 615879.

Submission:

University of Washington Department of Laboratory Medicine, University of Washington
Classification: Pathogenic for Tatton-Brown-Rahman overgrowth syndrome. Last evaluated: 2022-05-10. Review status: criteria provided, single submitter. Criteria: ACMG Guidelines, 2015. Collection method: clinical testing. Allele origin: de novo. Affected: yes.
Comment: This variant leads to a premature stop codon in exon 7 of 23 exons and is predicted to undergo nonsense-mediated decay resulting in a truncated or absent protein. These predictions have not been tested directly. Heterozygous loss of function leading to haploinsufficiency of the DNMT3A gene is not a well-established mechanism of disease in TBRS; however, affected individuals with premature termination variants have been previously reported and evidence from knockout mice supports this as the disease mechanism (Tatton-Brown 2014, Christian 2020). Additionally, the higher than expected frequency of premature termination variants observed in population databases, including the Genome Aggregation Database, is likely to reflect known clonal hematopoiesis of indeterminate potential observed in the DNMT3A gene (Carlston 2017). Using ACMG guidelines, this variant was classified as pathogenic for autosomal dominant Tatton-Brown-Rahman syndrome (ACMG evidence codes used: PVS1_strong, PS2, PM2_supporting).